The following is an entry in ClinVar:

ClinVar aggregate classification (germline): Uncertain significance (1 of 4 stars; one submission).

Submission:

GeneDx
Classification: Uncertain significance. Last evaluated: 2026-03-17. Review status: criteria provided, single submitter. Criteria: GeneDx Variant Classification Process June 2021. Collection method: clinical testing. Allele origin: germline.
Comment: Not observed at significant frequency in large population cohorts (gnomAD); In silico analysis supports that this missense variant has a deleterious effect on protein structure/function; Has not been previously published as pathogenic or benign to our knowledge

NM_000069.3(CACNA1S):c.3968A>C (p.Glu1323Ala)

Gene: CACNA1S (calcium voltage-gated channel subunit alpha1 S; minus strand). Cytogenetic location: 1q32.1.
Variant type: single nucleotide variant.
Coding change: c.3968A>C on transcript NM_000069.3 (MANE Select); coding-DNA position 3968, A replaced by C.
Protein change: p.Glu1323Ala; replaces glutamic acid 1323 with alanine.
Molecular consequence: missense variant.
Genome position (GRCh38, 1-based): chr1:201,051,129, T>G on the plus strand (A>C on the coding strand, the complement: CACNA1S is on the minus strand). VCF-style: chr1-201051129-T-G. GRCh37 (hg19) VCF-style: chr1-201020257-T-G.
Other names: short protein forms E1323A.
Identifiers: ClinVar variation 5009376 (VCV005009376.1).